The following is an entry in ClinVar:

NM_032776.3(JMJD1C):c.61G>A (p.Asp21Asn)

Genes: JMJD1C (jumonji domain containing 1C; minus strand), JMJD1C-AS1 (JMJD1C antisense RNA 1; plus strand). Cytogenetic location: 10q21.3.
Variant type: single nucleotide variant.
Coding change: c.61G>A on transcript NM_032776.3 (MANE Select); coding-DNA position 61, G replaced by A.
Protein change: p.Asp21Asn; replaces aspartic acid 21 with asparagine.
Molecular consequence: missense variant. On other transcripts: non-coding transcript variant (1), intron variant (2).
Genome position (GRCh38, 1-based): chr10:63,465,602, C>T on the plus strand (G>A on the coding strand, the complement: JMJD1C is on the minus strand). VCF-style: chr10-63465602-C-T. GRCh37 (hg19) VCF-style: chr10-65225362-C-T.
Other names: c.61G>A, p.Asp21Asn (NM_001322252.2); c.-384+56136G>A (NM_001322258.2); c.-379+56136G>A (NM_001318154.2); short protein forms D21N.
Identifiers: ClinVar variation 1490457 (VCV001490457.6), dbSNP rs201878027, ClinGen allele CA5519231.
Genomic context (GRCh38, chr10:63,465,602, plus strand): 5'-CCCCCGCTCGCCAGCTTCGCCAGCCGCGTCCGCTCTCCCAGCGCTCCGAACGTGCCTCGT[C>T]GCCGACCGCCACACACAGGAACCGCTTACCCACCAGCTCTGCCCGCGTCTCTACCGCCAT-3'
Protein context (NP_116165.1, residues 11-31): GKRFLCVAVG[Asp21Asn]EARSERWESG

ClinVar aggregate classification (germline): Uncertain significance (1 of 4 stars; one submission).

Conditions:
Early Myoclonic Encephalopathy. Identifiers: MedGen C0270855.

Allele frequency attached by ClinVar (database versions not stated): TOPMed below 0.00001; 1000 Genomes Project 30x 0.00016; gnomAD exomes 0.00001.
gnomAD v4.1: 20 of 1,609,752 alleles (0.0012%); highest among the groups gnomAD compares: South Asian, 0.015%; no homozygotes.

Submission:

Labcorp Genetics (formerly Invitae), Labcorp
Classification: Uncertain significance for Early Myoclonic Encephalopathy. Last evaluated: 2025-01-30. Review status: criteria provided, single submitter. Criteria: Invitae Variant Classification Sherloc (09022015). Collection method: clinical testing. Allele origin: germline.
Comment: This sequence change replaces aspartic acid, which is acidic and polar, with asparagine, which is neutral and polar, at codon 21 of the JMJD1C protein (p.Asp21Asn). This variant is present in population databases (rs201878027, gnomAD 0.01%). This variant has not been reported in the literature in individuals affected with JMJD1C-related conditions. ClinVar contains an entry for this variant (Variation ID: 1490457). An algorithm developed to predict the effect of missense changes on protein structure and function (PolyPhen-2) suggests that this variant is likely to be tolerated. In summary, the available evidence is currently insufficient to determine the role of this variant in disease. Therefore, it has been classified as a Variant of Uncertain Significance.